The following is an entry in ClinVar:

NM_001807.6(CEL):c.7C>T (p.Arg3Cys)

Gene: CEL (carboxyl ester lipase; plus strand). Cytogenetic location: 9q34.13.
Variant type: single nucleotide variant.
Coding change: c.7C>T on transcript NM_001807.6 (MANE Select); coding-DNA position 7, C replaced by T.
Protein change: p.Arg3Cys; replaces arginine 3 with cysteine.
Molecular consequence: missense variant.
Genome position (GRCh38, 1-based): chr9:133,062,009, C>T. VCF-style: chr9-133062009-C-T. GRCh37 (hg19) VCF-style: chr9-135937396-C-T.
Other names: short protein forms R3C.
Identifiers: ClinVar variation 218596 (VCV000218596.34), dbSNP rs201383133, ClinGen allele CA249225.

ClinVar aggregate classification (germline): Benign/Likely benign. Review status: criteria provided, multiple submitters, no conflicts (2 of 4 stars). 7 submissions from 7 submitters: Benign (4); Likely benign (3). Last evaluated 2026-08-01.

Allele frequency attached by ClinVar (database versions not stated): gnomAD exomes 0.00152; ExAC 0.00349; ESP Exome Variant Server 0.00453; gnomAD 0.00615; 1000 Genomes Project 30x 0.00750; 1000 Genomes Project 0.00839.

Submissions (7):

CeGaT Center for Human Genetics Tuebingen
Classification: Benign. Last evaluated: 2026-08-01. Review status: criteria provided, single submitter. Criteria: CeGaT Center For Human Genetics Tuebingen Variant Classification Criteria Version 2. Collection method: clinical testing. Allele origin: germline. Affected: yes. Observed: 4 variant alleles.
Comment: CEL: BP4, BS1, BS2

Genomic Medicine Center of Excellence, King Faisal Specialist Hospital and Research Centre
Classification: Likely benign. Last evaluated: 2025-08-18. Review status: criteria provided, single submitter. Criteria: ACMG Guidelines, 2015. Collection method: clinical testing. Allele origin: germline.

GeneDx
Classification: Benign. Last evaluated: 2020-06-30. Review status: criteria provided, single submitter. Criteria: GeneDx Variant Classification Process June 2021. Collection method: clinical testing. Allele origin: germline. Affected: yes.
Comment: This variant is associated with the following publications: (PMID: 32041611)

Genetic Services Laboratory, University of Chicago
Classification: Benign. Last evaluated: 2018-04-10. Review status: criteria provided, single submitter. Criteria: ACMG Guidelines, 2015. Collection method: clinical testing. Allele origin: germline. Affected: no.

Labcorp Genetics (formerly Invitae), Labcorp
Classification: Benign. Last evaluated: 2017-12-21. Review status: criteria provided, single submitter. Criteria: Invitae Variant Classification Sherloc (09022015). Collection method: clinical testing. Allele origin: germline.

Genomic Diagnostic Laboratory, Division of Genomic Diagnostics, Children's Hospital of Philadelphia
Classification: Likely benign. Last evaluated: 2015-07-09. Review status: criteria provided, single submitter. Criteria: DGD Variant Analysis Guidelines. Collection method: clinical testing. Allele origin: unknown.

Breakthrough Genomics
Classification: Likely benign. Review status: criteria provided, single submitter. Criteria: ACMG Guidelines, 2015. Collection method: not provided. Allele origin: germline. Inheritance: Autosomal dominant inheritance. Affected: yes.